The following is an entry in ClinVar:

ClinVar aggregate classification (germline): Uncertain significance (1 of 4 stars; one submission).

Conditions:
Cardiomyopathy (CMYO). Also called: Cardiomyopathies. Identifiers: Orphanet 167848, MedGen C0878544, MONDO:0004994, HP:0001638. Inheritance: Various modes of inheritance.

Submission:

Color Diagnostics, LLC DBA Color Health
Classification: Uncertain significance for Cardiomyopathy. Last evaluated: 2023-12-05. Review status: criteria provided, single submitter. Criteria: ACMG Guidelines, 2015. Collection method: clinical testing. Allele origin: germline.
Comment: Variant of Uncertain Significance due to insufficient evidence: This missense variant is located in the plakin domain of the DSP protein. Computational prediction tools and conservation analyses suggest that this variant may not impact the protein function. Computational splicing tools suggest that this variant may not impact RNA splicing. To our knowledge, functional assays have not been performed for this variant nor has this variant been reported in individuals affected with cardiovascular disorders in the literature. This variant is rare in the general population and has been identified in 0/277264 chromosomes by the Genome Aggregation Database (gnomAD). Available evidence is insufficient to determine the pathogenicity of this variant conclusively.

NM_004415.4(DSP):c.1943A>T (p.Asp648Val)

Gene: DSP (desmoplakin; plus strand). Cytogenetic location: 6p24.3.
Variant type: single nucleotide variant.
Coding change: c.1943A>T on transcript NM_004415.4 (MANE Select); coding-DNA position 1943, A replaced by T.
Protein change: p.Asp648Val; replaces aspartic acid 648 with valine.
Molecular consequence: missense variant.
Genome position (GRCh38, 1-based): chr6:7,571,881, A>T. VCF-style: chr6-7571881-A-T. GRCh37 (hg19) VCF-style: chr6-7572114-A-T.
Other names: c.1943A>T, p.Asp648Val (NM_001008844.3, NM_001319034.2); short protein forms D648V.
Identifiers: ClinVar variation 921744 (VCV000921744.5), dbSNP rs1759064728, ClinGen allele CA362680130.